The following is an entry in ClinVar:

NM_004415.4(DSP):c.3639_3640del (p.Glu1213fs)

Gene: DSP (desmoplakin; plus strand). Cytogenetic location: 6p24.3.
Variant type: Microsatellite.
Coding change: c.3639_3640del on transcript NM_004415.4 (MANE Select); coding-DNA positions 3639 to 3640, 2 bases deleted (GA; older notation c.3639_3640delGA).
Protein change: p.Glu1213fs; shifts the reading frame from glutamic acid 1213.
Molecular consequence: frameshift variant. On other transcripts: intron variant (1).
Genome position (GRCh38, 1-based): chr6:7,579,829-7,579,830, GA deleted; deleting any 2 consecutive bases within chr6:7,579,826-7,579,830 gives the same sequence; the c. name uses the placement nearest the transcript's 3' end. VCF-style (leftmost placement, unchanged base first): chr6-7579825-CAG-C. GRCh37 (hg19) VCF-style: chr6-7580058-CAG-C.
Other names: c.3639_3640delGA (NM_004415.2); c.3639_3640del, p.Glu1213fs (NM_001319034.2); c.3582+57_3582+58del (NM_001008844.3); short protein forms E1213fs.
Identifiers: ClinVar variation 1445018 (VCV001445018.9), dbSNP rs2113692271, ClinGen allele CA2573332574.

ClinVar aggregate classification (germline): Pathogenic/Likely pathogenic. Review status: criteria provided, multiple submitters, no conflicts (2 of 4 stars). 4 submissions from 4 submitters: Pathogenic (3); Likely pathogenic (1). Last evaluated 2026-01-11.

Conditions:
DSP-related disorder. Also called: DSP-related disorders; DSP-related condition.
Arrhythmogenic cardiomyopathy with wooly hair and keratoderma. Also called: Dilated cardiomyopathy with woolly hair and keratoderma; Arrhythmogenic cardiomyopathy with woolly hair and keratoderma; Carvajal syndrome; PALMOPLANTAR KERATODERMA WITH LEFT VENTRICULAR CARDIOMYOPATHY AND WOOLLY HAIR. Identifiers: Orphanet 65282, MedGen C1854063, MONDO:0011581, OMIM 605676.
Arrhythmogenic right ventricular dysplasia 8 (ARVD8). Also called: ARRHYTHMOGENIC RIGHT VENTRICULAR DYSPLASIA, FAMILIAL, 8; ARRHYTHMOGENIC RIGHT VENTRICULAR CARDIOMYOPATHY 8; Arrhythmogenic Right Ventricular Dysplasia/Cardiomyopathy 8. Identifiers: MedGen C1843896, MONDO:0011831, OMIM 607450.
Cardiomyopathy (CMYO). Also called: Cardiomyopathies. Identifiers: Orphanet 167848, MedGen C0878544, MONDO:0004994, HP:0001638. Inheritance: Various modes of inheritance.

Submissions (4):

Labcorp Genetics (formerly Invitae), Labcorp
Classification: Pathogenic for Arrhythmogenic cardiomyopathy with wooly hair and keratoderma; Arrhythmogenic right ventricular dysplasia 8. Last evaluated: 2026-01-11. Review status: criteria provided, single submitter. Criteria: Invitae Variant Classification Sherloc (09022015). Collection method: clinical testing. Allele origin: germline.
Comment: This sequence change creates a premature translational stop signal (p.Glu1213Aspfs*2) in the DSP gene. It is expected to result in an absent or disrupted protein product. Loss-of-function variants in DSP are known to be pathogenic (PMID: 20716751, 24503780, 25227139, 30398466). This variant is not present in population databases (gnomAD no frequency). This variant has not been reported in the literature in individuals affected with DSP-related conditions. Algorithms developed to predict the effect of sequence changes on RNA splicing suggest that this variant may create or strengthen a splice site. For these reasons, this variant has been classified as Pathogenic.

3billion
Classification: Pathogenic for Arrhythmogenic right ventricular dysplasia 8. Last evaluated: 2024-11-20. Review status: criteria provided, single submitter. Criteria: ACMG Guidelines, 2015. Collection method: clinical testing. Allele origin: germline. Affected: yes.
Comment: The variant is observed at an extremely low frequency in the gnomAD v4.1.0 dataset (total allele frequency: <0.001%). Predicted Consequence/Location: Frameshift: predicted to result in a loss or disruption of normal protein function through nonsense-mediated decay (NMD) or protein truncation. Multiple pathogenic variants are reported downstream of the variant. The variant has been reported to be associated with DSP related disorder (ClinVar ID: VCV001445018). Therefore, this variant is classified as Pathogenic according to the recommendation of ACMG/AMP guideline.

Victorian Clinical Genetics Services, Murdoch Childrens Research Institute
Classification: Pathogenic for Cardiomyopathy. Last evaluated: 2023-07-16. Review status: criteria provided, single submitter. Criteria: ACMG Guidelines, 2015. Collection method: clinical testing. Allele origin: germline. Inheritance: Autosomal dominant inheritance. Affected: yes.
Comment: Based on the classification scheme VCGS_Germline_v1.3.4, this variant is classified as Pathogenic. Following criteria are met: 0102 - Loss of function is a known mechanism of disease in this gene and is associated with arrhythmogenic right ventricular dysplasia 8 (MIM#607450) and other DSP-related cardiac disorders. (I) 0108 - This gene is associated with both recessive and dominant disease. Variants in this gene are usually inherited in a dominant manner, however rare reports of recessive inheritance have resulted in a more severe cardiac phenotype (OMIM). (I) 0115 - Variants in this gene are known to have variable expressivity. Age-dependent penetrance and variable expressivity are well-described aspects of arrhythmogenic cardiomyopathy (PMID: 29062697). (I) 0201 - Variant is predicted to cause nonsense-mediated decay (NMD) and loss of protein (premature termination codon is located at least 54 nucleotides upstream of the final exon-exon junction). (SP) 0251 - This variant is heterozygous. (I) 0301 - Variant is absent from gnomAD (both v2 and v3). (SP) 0702 - Other premature termination variants comparable to the one identified in this case have strong previous evidence for pathogenicity. Many NMD-predicted variants in this gene have been reported as likely pathogenic/pathogenic (ClinVar). At least eight comparable NMD-predicted variants have been reported in individuals with sudden death or DSP-related cardiac conditions (VCGS, ClinVar, PMIDs: 26383259, 27532257, 29915097). (SP) 0803 - This variant has limited previous evidence of pathogenicity in an unrelated individual. It has been reported as pathogenic and in an individual with non-ischemic cardiomyopathy, arrhythmogenic cardiomyopathy, episodes of ventricular tachycardia and recurrent myocarditis (ClinVar, personal communication). (SP) 0906 - Segregation evidence for this variant is inconclusive. (I) 1007 - No published functional evidence has been identified for this variant. (I) 1208 - Inheritance information for this variant is not currently available in this individual. (I) Legend: (SP) - Supporting pathogenic, (I) - Information, (SB) - Supporting benign

Blueprint Genetics
Classification: Likely pathogenic for DSP-related disorders. Last evaluated: 2022-10-05. Review status: criteria provided, single submitter. Criteria: ACMG Guidelines, 2015. Collection method: clinical testing. Allele origin: germline. Affected: yes. Observed: 1 variant allele.

Literature cited by the submitters: PubMed 20716751 (cited by Labcorp Genetics (formerly Invitae), Labcorp); PubMed 24503780 (cited by Labcorp Genetics (formerly Invitae), Labcorp); PubMed 25227139 (cited by Labcorp Genetics (formerly Invitae), Labcorp); PubMed 30398466 (cited by Labcorp Genetics (formerly Invitae), Labcorp); PubMed 26383259 (cited by Victorian Clinical Genetics Services, Murdoch Childrens Research Institute); PubMed 27532257 (cited by Victorian Clinical Genetics Services, Murdoch Childrens Research Institute); PubMed 29062697 (cited by Victorian Clinical Genetics Services, Murdoch Childrens Research Institute); PubMed 29915097 (cited by Victorian Clinical Genetics Services, Murdoch Childrens Research Institute).